The following is an entry in ClinVar:

ClinVar aggregate classification (germline): Uncertain significance (1 of 4 stars; one submission).

gnomAD v4.1: 24 of 1,613,686 alleles (0.0015%); highest among the groups gnomAD compares: East Asian, 0.02%; no homozygotes.

Submission:

Mayo Clinic Laboratories, Mayo Clinic
Classification: Uncertain significance. Last evaluated: 2024-05-03. Review status: criteria provided, single submitter. Criteria: ACMG Guidelines, 2015. Collection method: clinical testing. Allele origin: germline. Observed: 1 variant allele.
Comment: PP3, PM2_moderate

NM_001199753.2(CPT1C):c.1763C>T (p.Ser588Leu)

Gene: CPT1C (carnitine palmitoyltransferase 1C; plus strand). Cytogenetic location: 19q13.33.
Variant type: single nucleotide variant.
Coding change: c.1763C>T on transcript NM_001199753.2 (MANE Select); coding-DNA position 1763, C replaced by T.
Protein change: p.Ser588Leu; replaces serine 588 with leucine.
Molecular consequence: missense variant. On other transcripts: non-coding transcript variant (1), intron variant (3).
Genome position (GRCh38, 1-based): chr19:49,710,754, C>T. VCF-style: chr19-49710754-C-T. GRCh37 (hg19) VCF-style: chr19-50214011-C-T.
Other names: p.Ser577Leu; c.1730C>T, p.Ser577Leu (NM_001136052.3, NM_001378485.1); c.1763C>T, p.Ser588Leu (NM_001199752.3, NM_001378483.1, NM_001378484.1 and 1 more transcripts); c.1829C>T, p.Ser610Leu (NM_001378482.1); c.1731+270C>T (NM_001378486.1, NM_001378488.1); c.1698+270C>T (NM_001378487.1); short protein forms S577L, S588L, S610L.
Identifiers: ClinVar variation 3380631 (VCV003380631.1).